The following is an entry in ClinVar:

ClinVar aggregate classification (germline): Likely benign. Review status: criteria provided, multiple submitters, no conflicts (2 of 4 stars). 3 submissions from 3 submitters: Likely benign (3). Last evaluated 2026-05-22.

Conditions:
Dyskeratosis congenita, autosomal recessive 5 (DKCB5). Identifiers: MedGen C3554656, MONDO:0014076, OMIM 615190.
Pulmonary fibrosis and/or bone marrow failure, Telomere-related, 3. Also called: PULMONARY FIBROSIS AND/OR BONE MARROW FAILURE SYNDROME, TELOMERE-RELATED, 3. Identifiers: Orphanet 2032, MedGen C4225346, MONDO:0014613, OMIM 616373.
Inborn genetic diseases. Identifiers: MedGen C0950123, MeSH D030342.
RTEL1-related disorder. Also called: RTEL1-related disorders; RTEL1-related condition.

Allele frequency attached by ClinVar (database versions not stated): ExAC 0.00001; gnomAD 0.00001; TOPMed 0.00001.
gnomAD v4.1: 9 of 1,612,236 alleles (0.00056%); highest among the groups gnomAD compares: Admixed American, 0.0033%; no homozygotes.

Submissions (3):

PreventionGenetics, part of Exact Sciences
Classification: Likely benign for RTEL1-related condition. Last evaluated: 2026-05-22. Review status: criteria provided, single submitter. Criteria: ACMG Guidelines, 2015. Collection method: clinical testing. Allele origin: germline.
Comment: This variant is classified as likely benign based on ACMG/AMP sequence variant interpretation guidelines (Richards et al. 2015 PMID: 25741868, with internal and published modifications).

Labcorp Genetics (formerly Invitae), Labcorp
Classification: Likely benign for Dyskeratosis congenita, autosomal recessive 5; Pulmonary fibrosis and/or bone marrow failure, Telomere-related, 3. Last evaluated: 2025-04-17. Review status: criteria provided, single submitter. Criteria: Invitae Variant Classification Sherloc (09022015). Collection method: clinical testing. Allele origin: germline.

Ambry Genetics
Classification: Likely benign for Inborn genetic diseases. Last evaluated: 2023-04-13. Review status: criteria provided, single submitter. Criteria: Ambry Variant Classification Scheme 2023. Collection method: clinical testing. Allele origin: germline.

NM_001283009.2(RTEL1):c.118C>T (p.Leu40=)

Genes: RTEL1 (regulator of telomere elongation helicase 1; plus strand), RTEL1-TNFRSF6B (RTEL1-TNFRSF6B readthrough (NMD candidate); plus strand). Cytogenetic location: 20q13.33.
Variant type: single nucleotide variant.
Coding change: c.118C>T on transcript NM_001283009.2 (MANE Select); coding-DNA position 118, C replaced by T.
Protein change: p.Leu40=; no amino-acid change (leucine 40 retained).
Molecular consequence: synonymous variant. On other transcripts: non-coding transcript variant (1), 5 prime UTR variant (1).
Genome position (GRCh38, 1-based): chr20:63,661,313, C>T. VCF-style: chr20-63661313-C-T. GRCh37 (hg19) VCF-style: chr20-62292666-C-T.
Other names: c.118C>T (NM_032957.4); c.-552C>T (NM_001283010.1); c.118C>T, p.Leu40= (NM_016434.4, NM_032957.5).
Identifiers: ClinVar variation 1088172 (VCV001088172.12), dbSNP rs766794455, ClinGen allele CA9964115.